The following is an entry in ClinVar:

ClinVar aggregate classification (germline): Uncertain significance (1 of 4 stars; one submission).

Submission:

Mayo Clinic Laboratories, Mayo Clinic
Classification: Uncertain significance. Last evaluated: 2024-01-17. Review status: criteria provided, single submitter. Criteria: ACMG Guidelines, 2015. Collection method: clinical testing. Allele origin: germline. Observed: 1 variant allele.
Comment: BP4, PM2

NM_025114.4(CEP290):c.1675A>G (p.Met559Val)

Gene: CEP290 (centrosomal protein 290; minus strand). Cytogenetic location: 12q21.32.
Variant type: single nucleotide variant.
Coding change: c.1675A>G on transcript NM_025114.4 (MANE Select); coding-DNA position 1675, A replaced by G.
Protein change: p.Met559Val; replaces methionine 559 with valine.
Molecular consequence: missense variant.
Genome position (GRCh38, 1-based): chr12:88,118,519, T>C on the plus strand (A>G on the coding strand, the complement: CEP290 is on the minus strand). VCF-style: chr12-88118519-T-C. GRCh37 (hg19) VCF-style: chr12-88512296-T-C.
Other names: p.Met559Val; short protein forms M559V.
Identifiers: ClinVar variation 3380117 (VCV003380117.1).